The following is an entry in ClinVar:

NM_207037.2(TCF12):c.778_779del (p.Met260fs)

Gene: TCF12 (transcription factor 12; plus strand). Cytogenetic location: 15q21.3.
Variant type: Deletion.
Coding change: c.778_779del on transcript NM_207037.2 (MANE Select); coding-DNA positions 778 to 779, 2 bases deleted (AT; older notation c.778_779delAT).
Protein change: p.Met260fs; shifts the reading frame from methionine 260.
Molecular consequence: frameshift variant. On other transcripts: intron variant (1).
Genome position (GRCh38, 1-based): chr15:57,232,383-57,232,384, AT deleted. VCF-style (leftmost placement, unchanged base first): chr15-57232382-CAT-C. GRCh37 (hg19) VCF-style: chr15-57524580-CAT-C.
Other names: c.268_269del, p.Met90fs (NM_001306219.3, NM_207040.2); c.778_779del, p.Met260fs (NM_001322151.2, NM_001322152.2, NM_001322157.3 and 7 more transcripts); c.121_122del, p.Met41fs (NM_001322154.2); c.604_605del, p.Met202fs (NM_001322156.2, NM_001322158.2); c.814_815del, p.Met272fs (NM_001322164.2); c.118-329_118-328del (NM_001306220.3); short protein forms M41fs, M202fs, M260fs, M272fs, M90fs.
Identifiers: ClinVar variation 871063 (VCV000871063.47), dbSNP rs2059175292, ClinGen allele CA658779116.
Genomic context (GRCh38, chr15:57,232,382, plus strand): 5'-TTCATCAAATGGGATGAGCCAGCCTGGTTTTGGTGGAATTCTGGGGACCTCCACTTCCCA[CAT>C]GTCTCAATCCAGTAGTTATGGCAACCTTCATTCACATGACCGCTTGGTAGGCTATAACAC-3'

ClinVar aggregate classification (germline): Pathogenic/Likely pathogenic. Review status: criteria provided, multiple submitters, no conflicts (2 of 4 stars). 5 submissions from 5 submitters: Pathogenic (3); Likely pathogenic (2). Last evaluated 2026-03-10.

Conditions:
TCF12-related craniosynostosis. Also called: Craniosynostosis 3. Identifiers: Orphanet 35098, Orphanet 35099, Orphanet 672979, MedGen C3715051, MONDO:0014128, OMIM 615314.

Submissions (5):

GeneDx
Classification: Pathogenic. Last evaluated: 2026-03-10. Review status: criteria provided, single submitter. Criteria: GeneDx Variant Classification Process June 2021. Collection method: clinical testing. Allele origin: germline.
Comment: Segregates with disease in 3 affected individuals from one family with features of TCF12-related neurodevelopmental disorder and craniofacial anomalies spectrum (PMID: 23354436); Frameshift variant predicted to result in protein truncation or nonsense mediated decay in a gene for which loss of function is a known mechanism of disease; Not observed at significant frequency in large population cohorts (gnomAD); This variant is associated with the following publications: (PMID: 31837199, 31785789, 33057194, 34312540, 35982159, 31353793, 23354436)

3billion
Classification: Pathogenic for TCF12-related craniosynostosis. Last evaluated: 2025-04-03. Review status: criteria provided, single submitter. Criteria: ACMG Guidelines, 2015. Collection method: clinical testing. Allele origin: germline. Affected: yes.
Comment: The variant is not observed in the gnomAD v4.1.0 dataset. Predicted Consequence/Location: Frameshift: predicted to result in a loss or disruption of normal protein function through nonsense-mediated decay (NMD) or protein truncation. Multiple pathogenic variants are reported downstream of the variant. The variant has been reported at least twice as pathogenic without evidence for the classification (ClinVar ID: VCV000871063 / PMID: 23354436). Therefore, this variant is classified as Pathogenic according to the recommendation of ACMG/AMP guideline.

Department of Medical Genetics, Oslo University Hospital
Classification: Likely pathogenic for TCF12-related craniosynostosis. Last evaluated: 2019-11-05. Review status: criteria provided, single submitter. Criteria: ACMG Guidelines, 2015. Collection method: clinical testing. Allele origin: germline. Affected: yes. Observed: 1 variant allele, 1 heterozygote.

CeGaT Center for Human Genetics Tuebingen
Classification: Pathogenic. Last evaluated: 2017-05-01. Review status: criteria provided, single submitter. Criteria: CeGaT Center For Human Genetics Tuebingen Variant Classification Criteria Version 2. Collection method: clinical testing. Allele origin: germline. Affected: yes. Observed: 1 variant allele.

Clinical Genetics Service, Universitary Hospital 12 de Octubre
Classification: Likely pathogenic for TCF12-related craniosynostosis. Review status: criteria provided, single submitter. Criteria: ACMG Guidelines, 2015. Collection method: clinical testing. Allele origin: germline. Affected: yes.

Literature cited by the submitters: PubMed 23354436 (cited by 3billion).